The following is an entry in ClinVar:

NM_021008.4(DEAF1):c.835T>C (p.Cys279Arg)

Gene: DEAF1 (DEAF1 transcription factor; minus strand). Cytogenetic location: 11p15.5.
Variant type: single nucleotide variant.
Coding change: c.835T>C on transcript NM_021008.4 (MANE Select); coding-DNA position 835, T replaced by C.
Protein change: p.Cys279Arg; replaces cysteine 279 with arginine.
Molecular consequence: missense variant.
Genome position (GRCh38, 1-based): chr11:684,933, A>G on the plus strand (T>C on the coding strand, the complement: DEAF1 is on the minus strand). VCF-style: chr11-684933-A-G. GRCh37 (hg19) VCF-style: chr11-684933-A-G.
Other names: c.695T>C, p.Leu232Ser (NM_001293634.2); c.109T>C, p.Cys37Arg (NM_001367390.1); short protein forms C37R, C279R, L232S.
Identifiers: ClinVar variation 2813256 (VCV002813256.3), dbSNP rs2494438104, ClinGen allele CA378930056.

ClinVar aggregate classification (germline): Likely pathogenic (1 of 4 stars; one submission).

Submission:

Labcorp Genetics (formerly Invitae), Labcorp
Classification: Likely pathogenic. Last evaluated: 2025-03-10. Review status: criteria provided, single submitter. Criteria: Invitae Variant Classification Sherloc (09022015). Collection method: clinical testing. Allele origin: germline.
Comment: This sequence change replaces cysteine, which is neutral and slightly polar, with arginine, which is basic and polar, at codon 279 of the DEAF1 protein (p.Cys279Arg). This variant is not present in population databases (gnomAD no frequency). This variant has not been reported in the literature in individuals affected with DEAF1-related conditions. ClinVar contains an entry for this variant (Variation ID: 2813256). Invitae Evidence Modeling of protein sequence and biophysical properties (such as structural, functional, and spatial information, amino acid conservation, physicochemical variation, residue mobility, and thermodynamic stability) indicates that this missense variant is expected to disrupt DEAF1 protein function with a positive predictive value of 95%. This variant disrupts the p.Cys279 amino acid residue in DEAF1. Other variant(s) that disrupt this residue have been determined to be pathogenic (internal data). This suggests that this residue is clinically significant, and that variants that disrupt this residue are likely to be disease-causing. In summary, the currently available evidence indicates that the variant is pathogenic, but additional data are needed to prove that conclusively. Therefore, this variant has been classified as Likely Pathogenic.